The following is an entry in ClinVar:

ClinVar aggregate classification (germline): Uncertain significance (1 of 4 stars; one submission).

Allele frequency attached by ClinVar (database versions not stated): gnomAD exomes below 0.00001 and 0.00001; TOPMed below 0.00001; ExAC 0.00002.
gnomAD v4.1: 3 of 1,614,148 alleles (0.00019%); highest among the groups gnomAD compares: Admixed American, 0.0033%; no homozygotes.

Submission:

Labcorp Genetics (formerly Invitae), Labcorp
Classification: Uncertain significance. Last evaluated: 2025-04-08. Review status: criteria provided, single submitter. Criteria: Invitae Variant Classification Sherloc (09022015). Collection method: clinical testing. Allele origin: germline.
Comment: This sequence change replaces valine, which is neutral and non-polar, with leucine, which is neutral and non-polar, at codon 395 of the CLCN6 protein (p.Val395Leu). This variant is present in population databases (rs758581911, gnomAD 0.0009%). This variant has not been reported in the literature in individuals affected with CLCN6-related conditions. ClinVar contains an entry for this variant (Variation ID: 1521751). An algorithm developed to predict the effect of missense changes on protein structure and function (PolyPhen-2) suggests that this variant is likely to be tolerated. In summary, the available evidence is currently insufficient to determine the role of this variant in disease. Therefore, it has been classified as a Variant of Uncertain Significance.

NM_001286.5(CLCN6):c.1183G>T (p.Val395Leu)

Gene: CLCN6 (chloride voltage-gated channel 6; plus strand). Cytogenetic location: 1p36.22.
Variant type: single nucleotide variant.
Coding change: c.1183G>T on transcript NM_001286.5 (MANE Select); coding-DNA position 1183, G replaced by T.
Protein change: p.Val395Leu; replaces valine 395 with leucine.
Molecular consequence: missense variant. On other transcripts: non-coding transcript variant (1).
Genome position (GRCh38, 1-based): chr1:11,829,257, G>T. VCF-style: chr1-11829257-G-T. GRCh37 (hg19) VCF-style: chr1-11889314-G-T.
Other names: c.1117G>T, p.Val373Leu (NM_001256959.2); short protein forms V373L, V395L.
Identifiers: ClinVar variation 1521751 (VCV001521751.8), dbSNP rs758581911, ClinGen allele CA596384.